The following is an entry in ClinVar:

NM_000531.6(OTC):c.717+11T>C

Gene: OTC (ornithine transcarbamylase; plus strand). Cytogenetic location: Xp11.4.
Variant type: single nucleotide variant.
Coding change: c.717+11T>C on transcript NM_000531.6 (MANE Select); 11 bases into the intron after coding-DNA position 717, T replaced by C.
Molecular consequence: intron variant.
Genome position (GRCh38, 1-based): chrX:38,408,806, T>C. VCF-style: chrX-38408806-T-C. GRCh37 (hg19) VCF-style: chrX-38268059-T-C.
Identifiers: ClinVar variation 389355 (VCV000389355.4), dbSNP rs772850466, ClinGen allele CA10385925.

ClinVar aggregate classification (germline): Benign/Likely benign. Review status: criteria provided, multiple submitters, no conflicts (2 of 4 stars). 2 submissions from 2 submitters: Benign (1); Likely benign (1). Last evaluated 2025-12-28.

Conditions:
Ornithine carbamoyltransferase deficiency (OTCD). Also called: Ornithine Carbamoyltransferase Deficiency Disease; OTC DEFICIENCY; ORNITHINE TRANSCARBAMYLASE DEFICIENCY; ORNITHINE TRANSCARBAMYLASE DEFICIENCY, HYPERAMMONEMIA DUE TO. Identifiers: Orphanet 664, MedGen C0268542, MONDO:0010703, OMIM 311250.

Allele frequency attached by ClinVar (database versions not stated): gnomAD exomes 0.00001 and 0.00005; gnomAD 0.00002; TOPMed 0.00003; ExAC 0.00008.
gnomAD v4.1: 12 of 1,205,709 alleles (0.001%); highest among the groups gnomAD compares: East Asian, 0.033%; no homozygotes.

Submissions (2):

Labcorp Genetics (formerly Invitae), Labcorp
Classification: Benign for Ornithine carbamoyltransferase deficiency. Last evaluated: 2025-12-28. Review status: criteria provided, single submitter. Criteria: Invitae Variant Classification Sherloc (09022015). Collection method: clinical testing. Allele origin: germline.

GeneDx
Classification: Likely benign. Last evaluated: 2016-09-15. Review status: criteria provided, single submitter. Criteria: GeneDx Variant Classification (06012015). Collection method: clinical testing. Allele origin: germline. Affected: yes.
Comment: This variant is considered likely benign or benign based on one or more of the following criteria: it is a conservative change, it occurs at a poorly conserved position in the protein, it is predicted to be benign by multiple in silico algorithms, and/or has population frequency not consistent with disease.